The following is an entry in ClinVar:

ClinVar aggregate classification (germline): Uncertain significance (1 of 4 stars; one submission).

Submission:

Labcorp Genetics (formerly Invitae), Labcorp
Classification: Uncertain significance. Last evaluated: 2025-11-11. Review status: criteria provided, single submitter. Criteria: Invitae Variant Classification Sherloc (09022015). Collection method: clinical testing. Allele origin: germline.
Comment: This sequence change replaces glutamic acid, which is acidic and polar, with lysine, which is basic and polar, at codon 2695 of the DCHS1 protein (p.Glu2695Lys). This variant is not present in population databases (gnomAD no frequency). This variant has not been reported in the literature in individuals affected with DCHS1-related conditions. Invitae Evidence Modeling of protein sequence and biophysical properties (such as structural, functional, and spatial information, amino acid conservation, physicochemical variation, residue mobility, and thermodynamic stability) indicates that this missense variant is not expected to disrupt DCHS1 protein function with a negative predictive value of 80%. In summary, the available evidence is currently insufficient to determine the role of this variant in disease. Therefore, it has been classified as a Variant of Uncertain Significance.

NM_003737.4(DCHS1):c.8083G>A (p.Glu2695Lys)

Gene: DCHS1 (dachsous cadherin-related 1; minus strand). Cytogenetic location: 11p15.4.
Variant type: single nucleotide variant.
Coding change: c.8083G>A on transcript NM_003737.4 (MANE Select); coding-DNA position 8083, G replaced by A.
Protein change: p.Glu2695Lys; replaces glutamic acid 2695 with lysine.
Molecular consequence: missense variant.
Genome position (GRCh38, 1-based): chr11:6,623,593, C>T on the plus strand (G>A on the coding strand, the complement: DCHS1 is on the minus strand). VCF-style: chr11-6623593-C-T. GRCh37 (hg19) VCF-style: chr11-6644824-C-T.
Other names: short protein forms E2695K.
Identifiers: ClinVar variation 4740785 (VCV004740785.1).